The following is an entry in ClinVar:

ClinVar aggregate classification (germline): Uncertain significance. Review status: criteria provided, multiple submitters, no conflicts (2 of 4 stars). 2 submissions from 2 submitters: Uncertain significance (2). Last evaluated 2024-10-10.

Allele frequency attached by ClinVar (database versions not stated): gnomAD 0.00001; gnomAD exomes below 0.00001.
gnomAD v4.1: 8 of 1,551,282 alleles (0.00052%); highest among the groups gnomAD compares: Non-Finnish European, 0.00052%; no homozygotes.

Submissions (2):

Blueprint Genetics
Classification: Uncertain significance. Last evaluated: 2024-10-10. Review status: criteria provided, single submitter. Criteria: ACMG Guidelines, 2015. Collection method: clinical testing. Allele origin: germline.

GeneDx
Classification: Uncertain significance. Last evaluated: 2023-09-29. Review status: criteria provided, single submitter. Criteria: GeneDx Variant Classification Process June 2021. Collection method: clinical testing. Allele origin: germline. Affected: yes.
Comment: Not observed at significant frequency in large population cohorts (gnomAD); In silico analysis supports that this missense variant has a deleterious effect on protein structure/function; Has not been previously published as pathogenic or benign to our knowledge

NM_001145308.5(LRTOMT):c.380T>C (p.Val127Ala)

Genes: ANAPC15 (anaphase promoting complex subunit 15; minus strand), LRTOMT (leucine rich transmembrane and O-methyltransferase domain containing; plus strand), TOMT (transmembrane O-methyltransferase; plus strand). Cytogenetic location: 11q13.4.
Variant type: single nucleotide variant.
Coding change: c.380T>C on transcript NM_001145308.5; coding-DNA position 380, T replaced by C.
Protein change: p.Val127Ala; replaces valine 127 with alanine.
Molecular consequence: missense variant. On other transcripts: 3 prime UTR variant (3), non-coding transcript variant (1), intron variant (7).
Genome position (GRCh38, 1-based): chr11:72,107,944, T>C. VCF-style: chr11-72107944-T-C. GRCh37 (hg19) VCF-style: chr11-71818990-T-C.
Other names: c.281T>C, p.Val94Ala (NM_001393500.2); c.380T>C, p.Val127Ala (NM_001145309.4); c.260T>C, p.Val87Ala (NM_001145310.4); c.*875A>G (NM_001393443.1, NM_001393444.1, NM_001393445.1); c.64-339A>G (NM_001393459.1); c.319-339A>G (NM_001393430.1, NM_001393429.1, NM_001393428.1 and 3 more transcripts); short protein forms V127A, V87A, V94A.
Identifiers: ClinVar variation 2662403 (VCV002662403.2), dbSNP rs200149461, ClinGen allele CA381720781.
Genomic context (GRCh38, chr11:72,107,944, plus strand): 5'-ATCTCCCATGTCTTCTGCAACAGCCATCTCCCCTCATAGGTCAGATCCTGATGCGGCTGG[T>C]GGAGGAGAAGGCCCCTGCTTGTGTGCTGGAATTGGGAACCTACTGTGGATACTCTACCCT-3'